The following is an entry in ClinVar:

NM_020964.3(EPG5):c.7495A>G (p.Met2499Val)

Gene: EPG5 (ectopic P-granules 5 autophagy tethering factor; minus strand). Cytogenetic location: 18q12.3.
Variant type: single nucleotide variant.
Coding change: c.7495A>G on transcript NM_020964.3 (MANE Select); coding-DNA position 7495, A replaced by G.
Protein change: p.Met2499Val; replaces methionine 2499 with valine.
Molecular consequence: missense variant.
Genome position (GRCh38, 1-based): chr18:45,855,635, T>C on the plus strand (A>G on the coding strand, the complement: EPG5 is on the minus strand). VCF-style: chr18-45855635-T-C. GRCh37 (hg19) VCF-style: chr18-43435600-T-C.
Other names: c.7495A>G, p.Met2499Val (LRG_1234t1); short protein forms M2499V.
Identifiers: ClinVar variation 534604 (VCV000534604.22), dbSNP rs191244915, ClinGen allele CA8947976.
Genomic context (GRCh38, chr18:45,855,635, plus strand): 5'-GCTGAGCTTTGGGGGTCAGATGTAATTCAGAGCCAGGCCTCAAACGGATCTGATCTTCCA[T>C]AGGAACCTGAACTGAAAGGAAGGCAGCCATGCTTCGGGCAACCACTCGGAACCTTAGGCA-3'
Protein context (NP_066015.2, residues 2489-2509): MAAFLSVQVP[Met2499Val]EDQIRLRPGS

ClinVar aggregate classification (germline): Conflicting classifications of pathogenicity. Review status: criteria provided, conflicting classifications (1 of 4 stars). 7 submissions from 7 submitters: Uncertain significance (1); Benign (2); Likely benign (3). 1 of the submissions does not count toward it. Last evaluated 2026-01-28.

Conditions:
Vici syndrome (VICIS). Identifiers: Orphanet 1493, MedGen C1855772, MONDO:0009452, OMIM 242840.
EPG5-related disorder. Also called: EPG5-related condition. Identifiers: MedGen CN381528.
Limb-girdle muscular dystrophy (LGMD). Also called: Muscular Dystrophies, Limb-Girdle. Identifiers: Orphanet 263, MedGen C0686353, MeSH D049288, MONDO:0016971, HP:0006785.

Allele frequency attached by ClinVar (database versions not stated): 1000 Genomes Project 0.00020; 1000 Genomes Project 30x 0.00031; gnomAD exomes 0.00037; ExAC 0.00045; ESP Exome Variant Server 0.00124; gnomAD 0.00155 and 0.00173; TOPMed 0.00157.
gnomAD v4.1: 475 of 1,614,166 alleles (0.029%); highest among the groups gnomAD compares: African/African-American, 0.49%; 3 homozygotes.

Submissions (7):

Labcorp Genetics (formerly Invitae), Labcorp
Classification: Benign for Vici syndrome. Last evaluated: 2026-01-28. Review status: criteria provided, single submitter. Criteria: Invitae Variant Classification Sherloc (09022015). Collection method: clinical testing. Allele origin: germline.

Women's Health and Genetics/Laboratory Corporation of America, LabCorp
Classification: Likely benign. Last evaluated: 2025-10-15. Review status: criteria provided, single submitter. Criteria: LabCorp Variant Classification Summary - May 2015. Collection method: clinical testing. Allele origin: germline.
Comment: Variant summary: EPG5 c.7495A>G (p.Met2499Val) results in a conservative amino acid change in the encoded protein sequence. Algorithms developed to predict the effect of missense changes on protein structure and function all suggest that this variant is likely to be tolerated. The variant allele was found at a frequency of 0.00037 in 249382 control chromosomes, predominantly at a frequency of 0.0043 within the African or African-American subpopulation in the gnomAD database, including 1 homozygotes. The observed variant frequency within African or African-American control individuals in the gnomAD database exceeds the estimated maximal expected allele frequency for disease-causing variants in EPG5. To our knowledge, no occurrence of c.7495A>G in individuals affected with EPG5-related conditions and no experimental evidence demonstrating its impact on protein function have been reported. ClinVar contains an entry for this variant (Variation ID: 534604). Based on the evidence outlined above, the variant was classified as likely benign.

Blueprint Genetics
Classification: Likely benign. Last evaluated: 2024-10-14. Review status: criteria provided, single submitter. Criteria: ACMG Guidelines, 2015. Collection method: clinical testing. Allele origin: germline.

Center for Genomics, Ann and Robert H. Lurie Children's Hospital of Chicago
Classification: Uncertain significance for Vici syndrome. Last evaluated: 2021-03-30. Review status: criteria provided, single submitter. Criteria: ACMG Guidelines, 2015. Collection method: clinical testing. Allele origin: germline.
Comment: EPG5: NM_020964 exon 64 p.Met2499Val (c.7495A>G): This variant has not been reported in the literature but is present in 0.4% (115/24016) of African alleles, including 1 homozygote in the Genome Aggregation Database. Evolutionary conservation and computational predictive tools suggest that this variant may not impact the protein. In summary, data on this variant is insufficient for disease classification. Therefore, the clinical significance of this variant is uncertain.

GeneDx
Classification: Likely benign. Last evaluated: 2020-10-02. Review status: criteria provided, single submitter. Criteria: GeneDx Variant Classification Process June 2021. Collection method: clinical testing. Allele origin: germline. Affected: yes.

Cambridge Genomics Laboratory, East Genomic Laboratory Hub, NHS Genomic Medicine Service
Classification: Benign for Limb-girdle muscular dystrophy. Last evaluated: 2019-08-28. Review status: criteria provided, single submitter. Criteria: ACGS Best Practice Guidelines for Variant Classification in Rare Disease 2020. Collection method: clinical testing. Allele origin: germline. Affected: yes. Observed: 1 variant allele.

PreventionGenetics, part of Exact Sciences
Classification: Likely benign for EPG5-related condition. Last evaluated: 2022-05-25. Review status: no assertion criteria provided. Collection method: clinical testing. Allele origin: germline. Not counted in ClinVar's aggregate classification.
Comment: This variant is classified as likely benign based on ACMG/AMP sequence variant interpretation guidelines (Richards et al. 2015 PMID: 25741868, with internal and published modifications).